The following is an entry in ClinVar:

ClinVar aggregate classification (germline): Uncertain significance (1 of 4 stars; one submission).

gnomAD v4.1: 2 of 1,614,156 alleles (0.00012%); highest among the groups gnomAD compares: Non-Finnish European, 0.00017%; no homozygotes.

Submission:

GeneDx
Classification: Uncertain significance. Last evaluated: 2012-07-16. Review status: criteria provided, single submitter. Criteria: GeneDx Variant Classification (06012015). Collection method: clinical testing. Allele origin: germline. Affected: yes.
Comment: p.Arg410Leu (CGC>CTC): c.1229 G>T in exon 12 of the ANK2 gene (NM_001148.4). The Arg410Leu variant in the ANK2 gene has not been reported as a disease-causing mutation or as a benign polymorphism to our knowledge.Arg410Leu results in a non-conservative amino acid substitution of a positively charged Arginine residue with a non-polar Leucine residue at a position that is conserved across species. In silico analysis predicts Arg410Leu is probably damaging to the protein structure/function. Also, the NHLBI ESP Exome Variant Server reports Arg410Leu was not observed in approximately 6,500 samples from individuals of European and African American backgrounds, indicating it is not a common benign variant in these populations. Nevertheless, no mutations in nearby codons have been reported in association with LQTS, indicating this region of the protein may be tolerant to change. With the clinical and molecular information available at this time, we cannot definitively determine if Arg410Leu is a disease-causing mutation or a rare benign variant. The variant is found in LQT panel(s).

NM_001148.6(ANK2):c.1229G>T (p.Arg410Leu)

Gene: ANK2 (ankyrin 2; plus strand). Cytogenetic location: 4q26.
Variant type: single nucleotide variant.
Coding change: c.1229G>T on transcript NM_001148.6 (MANE Select); coding-DNA position 1229, G replaced by T.
Protein change: p.Arg410Leu; replaces arginine 410 with leucine.
Molecular consequence: missense variant. On other transcripts: intron variant (5).
Genome position (GRCh38, 1-based): chr4:113,258,090, G>T. VCF-style: chr4-113258090-G-T. GRCh37 (hg19) VCF-style: chr4-114179246-G-T.
Other names: p.R410L:CGC>CTC; c.1166G>T, p.Arg389Leu (NM_001127493.3, NM_001354239.2, NM_001354243.2 and 14 more transcripts); c.1229G>T, p.Arg410Leu (NM_001354225.2, NM_001354228.2, NM_001354232.2 and 8 more transcripts); c.1274G>T, p.Arg425Leu (NM_001354230.2, NM_001354231.2, NM_001354237.2 and 5 more transcripts); c.1142G>T, p.Arg381Leu (NM_001354249.2, NM_001354260.2, NM_001354264.2 and 13 more transcripts); c.1187G>T, p.Arg396Leu (NM_001354261.2, NM_001386147.1, NM_001386160.1); c.1217G>T, p.Arg406Leu (NM_001386148.2, NM_001386186.2); c.1280G>T, p.Arg427Leu (NM_001386174.1); and 5 more; short protein forms R389L, R410L, R396L, R381L, R425L, R398L, R406L, R419L.
Identifiers: ClinVar variation 190543 (VCV000190543.2), dbSNP rs786205720, ClinGen allele CA300775.
Genomic context (GRCh38, chr4:113,258,090, plus strand): 5'-CTTGATTGTCTTTTGCACAGAATGGTTTTACTCCACTGCACATTGCCTGCAAGAAAAACC[G>T]CATCAAAGTCATGGAACTGCTGGTGAAATATGGGGCTTCAATCCAAGCTATAACAGAGGT-3'
Protein context (NP_001139.3, residues 400-420): TPLHIACKKN[Arg410Leu]IKVMELLVKY